The following is an entry in ClinVar:

NM_002471.4(MYH6):c.4284G>C (p.Glu1428Asp)

Gene: MYH6 (myosin heavy chain 6; minus strand). Cytogenetic location: 14q11.2.
Variant type: single nucleotide variant.
Coding change: c.4284G>C on transcript NM_002471.4 (MANE Select); coding-DNA position 4284, G replaced by C.
Protein change: p.Glu1428Asp; replaces glutamic acid 1428 with aspartic acid.
Molecular consequence: missense variant.
Genome position (GRCh38, 1-based): chr14:23,388,230, C>G on the plus strand (G>C on the coding strand, the complement: MYH6 is on the minus strand). VCF-style: chr14-23388230-C-G. GRCh37 (hg19) VCF-style: chr14-23857439-C-G.
Other names: short protein forms E1428D.
Identifiers: ClinVar variation 4755787 (VCV004755787.1).

ClinVar aggregate classification (germline): Uncertain significance (1 of 4 stars; one submission).

Submission:

GeneDx
Classification: Uncertain significance. Last evaluated: 2025-08-06. Review status: criteria provided, single submitter. Criteria: GeneDx Variant Classification Process June 2021. Collection method: clinical testing. Allele origin: germline. Affected: yes.
Comment: Not observed at significant frequency in large population cohorts (gnomAD); In silico analysis suggests that this missense variant does not alter protein structure/function; Has not been previously published as pathogenic or benign to our knowledge